The following is an entry in ClinVar:

ClinVar aggregate classification (germline): Conflicting classifications of pathogenicity. Review status: criteria provided, conflicting classifications (1 of 4 stars). 3 submissions from 3 submitters: Pathogenic (1); Likely pathogenic (1); Uncertain significance (1). Last evaluated 2025-11-24.

Conditions:
McKusick-Kaufman syndrome (MKKS). Also called: HYDROMETROCOLPOS SYNDROME; HYDROMETROCOLPOS, POSTAXIAL POLYDACTYLY, AND CONGENITAL HEART MALFORMATION. Identifiers: Orphanet 2473, MedGen C0948368, MONDO:0009367, OMIM 236700.
Bardet-Biedl syndrome 6 (BBS6). Identifiers: Orphanet 110, MedGen C1858054, MONDO:0011523, OMIM 605231.
Bardet-Biedl syndrome (BBS). Identifiers: Orphanet 110, MedGen C0752166, MONDO:0015229.
MKKS-related disorder. Also called: MKKS-related condition; MKKS-related disorders.

Submissions (3):

Labcorp Genetics (formerly Invitae), Labcorp
Classification: Pathogenic for McKusick-Kaufman syndrome; Bardet-Biedl syndrome. Last evaluated: 2025-11-24. Review status: criteria provided, single submitter. Criteria: Invitae Variant Classification Sherloc (09022015). Collection method: clinical testing. Allele origin: germline.
Comment: This sequence change replaces glycine, which is neutral and non-polar, with aspartic acid, which is acidic and polar, at codon 548 of the MKKS protein (p.Gly548Asp). This variant is present in population databases (rs765907420, gnomAD 0.007%). This missense change has been observed in individual(s) with clinical features of MKKS-related conditions (internal data). ClinVar contains an entry for this variant (Variation ID: 3587025). Invitae Evidence Modeling of protein sequence and biophysical properties (such as structural, functional, and spatial information, amino acid conservation, physicochemical variation, residue mobility, and thermodynamic stability) indicates that this missense variant is expected to disrupt MKKS protein function with a positive predictive value of 95%. For these reasons, this variant has been classified as Pathogenic.

PreventionGenetics, part of Exact Sciences
Classification: Likely pathogenic for MKKS-related condition. Last evaluated: 2025-04-22. Review status: criteria provided, single submitter. Criteria: ACMG Guidelines, 2015. Collection method: clinical testing. Allele origin: germline.
Comment: The MKKS c.1643G>A variant is predicted to result in the amino acid substitution p.Gly548Asp. This variant has been reported along with a second pathogenic MKKS variant (c.748G>A) in an individual with features consistent with Bardet-Biedl syndrome (gene referred to as BBS6, Peixoto de Barcelos et al. 2023. PubMed ID: 37626566). At PreventionGenetics, the c.1643G>A variant has been detected in the homozygous state in multiple individuals with MKKS-related disorders, and segregates with the phenotype in affected family members. This variant is reported in 0.0065% of alleles in individuals of South Asian descent in gnomAD. Based on the available evidence, we classify this variant as likely pathogenic.

Fulgent Genetics
Classification: Uncertain significance for McKusick-Kaufman syndrome; Bardet-Biedl syndrome 6. Last evaluated: 2024-06-04. Review status: criteria provided, single submitter. Criteria: ACMG Guidelines, 2015. Collection method: clinical testing. Allele origin: germline.

NM_170784.3(MKKS):c.1643G>A (p.Gly548Asp)

Gene: MKKS (MKKS centrosomal shuttling protein; minus strand). Cytogenetic location: 20p12.2.
Variant type: single nucleotide variant.
Coding change: c.1643G>A on transcript NM_170784.3 (MANE Select); coding-DNA position 1643, G replaced by A.
Protein change: p.Gly548Asp; replaces glycine 548 with aspartic acid.
Molecular consequence: missense variant. On other transcripts: non-coding transcript variant (1).
Genome position (GRCh38, 1-based): chr20:10,405,317, C>T on the plus strand (G>A on the coding strand, the complement: MKKS is on the minus strand). VCF-style: chr20-10405317-C-T. GRCh37 (hg19) VCF-style: chr20-10385965-C-T.
Other names: c.1643G>A, p.Gly548Asp (NM_018848.3); short protein forms G548D.
Identifiers: ClinVar variation 3587025 (VCV003587025.3).